The following is an entry in ClinVar:

ClinVar aggregate classification (germline): Pathogenic (1 of 4 stars; one submission).

Conditions:
Xeroderma pigmentosum (XP). Identifiers: Orphanet 910, MedGen C0043346, MONDO:0019600.

Submission:

Women's Health and Genetics/Laboratory Corporation of America, LabCorp
Classification: Pathogenic for Xeroderma pigmentosum. Last evaluated: 2019-06-25. Review status: criteria provided, single submitter. Criteria: LabCorp Variant Classification Summary - May 2015. Collection method: clinical testing. Allele origin: germline.
Comment: Variant summary: ERCC5 c.922_923delCT (p.Leu308SerfsX12) results in a premature termination codon, predicted to cause a truncation of the encoded protein or absence of the protein due to nonsense mediated decay, which are commonly known mechanisms for disease. A truncation downstream of this position has been classified as pathogenic by our laboratory (c.2878G>T, p.Glu960X). The variant was absent in 251222 control chromosomes (gnomAD). c.922_923delCT, has been reported in the literature in the homozygous state in an individual with symptoms suggestive of the Xeroderma Pigmentosum/Cockayne syndrome complex. Fibroblasts derived from this individual were shown to have marked reductions in post-ultraviolet cell survival and DNA repair (<1% of normal activity) and very low XPG mRNA expression levels (Emmert_2002). No clinical diagnostic laboratories have submitted clinical-significance assessments for this variant to ClinVar after 2014. Based on the evidence outlined above, the variant was classified as pathogenic.

Literature cited by the submitters: PubMed 26184184; PubMed 30838033; PubMed 24700531; PubMed 12060391; PubMed 23370536.

NM_000123.4(ERCC5):c.922_923del (p.Leu308fs)

Genes: BIVM-ERCC5 (BIVM-ERCC5 readthrough; plus strand), ERCC5 (ERCC excision repair 5, endonuclease; plus strand). Cytogenetic location: 13q33.1.
Variant type: Microsatellite.
Coding change: c.922_923del on transcript NM_000123.4 (MANE Select); coding-DNA positions 922 to 923, 2 bases deleted (CT; older notation c.922_923delCT).
Protein change: p.Leu308fs; shifts the reading frame from leucine 308.
Molecular consequence: frameshift variant.
Genome position (GRCh38, 1-based): chr13:102,862,071-102,862,072, CT deleted; deleting any 2 consecutive bases within chr13:102,862,068-102,862,072 gives the same sequence; the c. name uses the placement nearest the transcript's 3' end. VCF-style (leftmost placement, unchanged base first): chr13-102862067-GTC-G. GRCh37 (hg19) VCF-style: chr13-103514417-GTC-G.
Other names: c.922_923del (NM_000123.3); c.2284_2285del, p.Leu762fs (NM_001204425.2); c.920_921CT[1], p.Leu308Serfs (NM_000123.3); short protein forms L308fs, L762fs.
Identifiers: ClinVar variation 929130 (VCV000929130.1), dbSNP rs1882641004, ClinGen allele CA2115210633.